The following is an entry in ClinVar:

ClinVar aggregate classification (germline): Uncertain significance (1 of 4 stars; one submission).

Conditions:
Glycogen storage disease IXb (GSD9B). Also called: PHOSPHORYLASE KINASE DEFICIENCY OF LIVER AND MUSCLE, AUTOSOMAL RECESSIVE; GLYCOGENOSIS OF LIVER AND MUSCLE, AUTOSOMAL RECESSIVE; GSD IXb. Identifiers: Orphanet 79240, MedGen C0543514, MONDO:0009868, OMIM 261750.

Submission:

Labcorp Genetics (formerly Invitae), Labcorp
Classification: Uncertain significance for Glycogen storage disease IXb. Last evaluated: 2022-08-20. Review status: criteria provided, single submitter. Criteria: Invitae Variant Classification Sherloc (09022015). Collection method: clinical testing. Allele origin: germline.
Comment: This variant results in a copy number gain of the genomic region encompassing exon(s) 27-31 of the PHKB gene. This region includes the termination codon of the gene. This copy number gain extends beyond the assayed region for this gene and therefore may encompass additional genes. As the precise location of this event is unknown, it may be in tandem or it may be located elsewhere in the genome. This variant has not been reported in the literature in individuals affected with PHKB-related conditions. In summary, the available evidence is currently insufficient to determine the role of this variant in disease. Therefore, it has been classified as a Variant of Uncertain Significance.

NC_000016.9:g.(?_47722932)_(47733277_?)dup

Gene: PHKB (phosphorylase kinase regulatory subunit beta; plus strand). Cytogenetic location: 16q12.1.
Variant type: Duplication.
Identifiers: ClinVar variation 2422829 (VCV002422829.3).